The following is an entry in ClinVar:

ClinVar aggregate classification (germline): Uncertain significance (1 of 4 stars; one submission).

Conditions:
Warts, hypogammaglobulinemia, infections, and myelokathexis. Also called: WHIM syndrome. Identifiers: MedGen C0472817, MONDO:0023880.

gnomAD v4.1: 32 of 1,614,022 alleles (0.002%); highest among the groups gnomAD compares: East Asian, 0.062%; no homozygotes.

Submission:

Labcorp Genetics (formerly Invitae), Labcorp
Classification: Uncertain significance for Warts, hypogammaglobulinemia, infections, and myelokathexis. Last evaluated: 2025-03-16. Review status: criteria provided, single submitter. Criteria: Invitae Variant Classification Sherloc (09022015). Collection method: clinical testing. Allele origin: germline.
Comment: This sequence change replaces serine, which is neutral and polar, with threonine, which is neutral and polar, at codon 229 of the CXCR4 protein (p.Ser229Thr). This variant is present in population databases (rs772992625, gnomAD 0.08%), and has an allele count higher than expected for a pathogenic variant. This missense change has been observed in individual(s) with clinical features of CXCR4-related conditions (PMID: 33240318). An algorithm developed to predict the effect of missense changes on protein structure and function (PolyPhen-2) suggests that this variant is likely to be disruptive. In summary, the available evidence is currently insufficient to determine the role of this variant in disease. Therefore, it has been classified as a Variant of Uncertain Significance.

Literature cited by the submitters: PubMed 33240318.

NM_003467.3(CXCR4):c.685T>A (p.Ser229Thr)

Gene: CXCR4 (C-X-C motif chemokine receptor 4; minus strand). Cytogenetic location: 2q22.1.
Variant type: single nucleotide variant.
Coding change: c.685T>A on transcript NM_003467.3 (MANE Select); coding-DNA position 685, T replaced by A.
Protein change: p.Ser229Thr; replaces serine 229 with threonine.
Molecular consequence: missense variant.
Genome position (GRCh38, 1-based): chr2:136,115,243, A>T on the plus strand (T>A on the coding strand, the complement: CXCR4 is on the minus strand). VCF-style: chr2-136115243-A-T. GRCh37 (hg19) VCF-style: chr2-136872813-A-T.
Other names: c.697T>A, p.Ser233Thr (NM_001008540.2); c.898T>A, p.Ser300Thr (NM_001348056.2); c.784T>A, p.Ser262Thr (NM_001348059.2); c.640T>A, p.Ser214Thr (NM_001348060.2); short protein forms S233T, S262T, S214T, S229T, S300T.
Identifiers: ClinVar variation 3706944 (VCV003706944.2).